The following is an entry in ClinVar:

ClinVar aggregate classification (germline): Uncertain significance. Review status: criteria provided, multiple submitters, no conflicts (2 of 4 stars). 3 submissions from 3 submitters: Uncertain significance (3). Last evaluated 2022-07-01.

Conditions:
Argininosuccinate lyase deficiency. Also called: Argininosuccinic aciduria; ARGININOSUCCINIC ACID LYASE DEFICIENCY; ASL DEFICIENCY. Identifiers: Orphanet 23, MedGen C0268547, MONDO:0008815, OMIM 207900, HP:0025630.
Inborn genetic diseases. Identifiers: MedGen C0950123, MeSH D030342.

Allele frequency attached by ClinVar (database versions not stated): ExAC 0.00004; ESP Exome Variant Server 0.00008; 1000 Genomes Project 30x 0.00016; 1000 Genomes Project 0.00020.
gnomAD v4.1: 38 of 1,613,144 alleles (0.0024%); highest among the groups gnomAD compares: South Asian, 0.018%; no homozygotes.

Submissions (3):

Labcorp Genetics (formerly Invitae), Labcorp
Classification: Uncertain significance for Argininosuccinate lyase deficiency. Last evaluated: 2022-07-01. Review status: criteria provided, single submitter. Criteria: Invitae Variant Classification Sherloc (09022015). Collection method: clinical testing. Allele origin: germline.
Comment: This sequence change replaces arginine, which is basic and polar, with histidine, which is basic and polar, at codon 445 of the ASL protein (p.Arg445His). This variant is present in population databases (rs372272449, gnomAD 0.02%). This variant has not been reported in the literature in individuals affected with ASL-related conditions. Advanced modeling of protein sequence and biophysical properties (such as structural, functional, and spatial information, amino acid conservation, physicochemical variation, residue mobility, and thermodynamic stability) performed at Invitae indicates that this missense variant is not expected to disrupt ASL protein function. In summary, the available evidence is currently insufficient to determine the role of this variant in disease. Therefore, it has been classified as a Variant of Uncertain Significance.

Ambry Genetics
Classification: Uncertain significance for Inborn genetic diseases. Last evaluated: 2021-01-08. Review status: criteria provided, single submitter. Criteria: Ambry Variant Classification Scheme 2023. Collection method: clinical testing. Allele origin: germline.
Comment: The c.1334G>A (p.R445H) alteration is located in exon 17 (coding exon 16) of the ASL gene. This alteration results from a G to A substitution at nucleotide position 1334, causing the arginine (R) at amino acid position 445 to be replaced by a histidine (H). The p.R445H alteration is predicted to be tolerated by in silico analysis. Based on insufficient or conflicting evidence, the clinical significance of this alteration remains unclear.

Blueprint Genetics
Classification: Uncertain significance. Last evaluated: 2020-02-14. Review status: criteria provided, single submitter. Criteria: ACMG Guidelines, 2015. Collection method: clinical testing. Allele origin: germline.

NM_000048.4(ASL):c.1334G>A (p.Arg445His)

Gene: ASL (argininosuccinate lyase; plus strand). Cytogenetic location: 7q11.21.
Variant type: single nucleotide variant.
Coding change: c.1334G>A on transcript NM_000048.4 (MANE Select); coding-DNA position 1334, G replaced by A.
Protein change: p.Arg445His; replaces arginine 445 with histidine.
Molecular consequence: missense variant.
Genome position (GRCh38, 1-based): chr7:66,092,851, G>A. VCF-style: chr7-66092851-G-A. GRCh37 (hg19) VCF-style: chr7-65557838-G-A.
Other names: c.1334G>A, p.Arg445His (NM_001024943.2); c.1274G>A, p.Arg425His (NM_001024944.2); c.1256G>A, p.Arg419His (NM_001024946.2); c.1334G>A (NM_000048.3); short protein forms R419H, R425H, R445H.
Identifiers: ClinVar variation 2151613 (VCV002151613.3), dbSNP rs372272449, ClinGen allele CA4277392.
Genomic context (GRCh38, chr7:66,092,851, plus strand): 5'-TCTGCGTGTGGGACTACGGGCACAGTGTGGAGCAGTATGGTGCCCTGGGCGGCACTGCGC[G>A]CTCCAGCGTCGACTGGCAGATCCGCCAGGTGCGGGCGCTACTGCAGGCACAGCAGGCCTA-3'
Protein context (NP_000039.2, residues 435-455): EQYGALGGTA[Arg445His]SSVDWQIRQV